The following is an entry in ClinVar:

ClinVar aggregate classification (germline): Uncertain significance. Review status: criteria provided, multiple submitters, no conflicts (2 of 4 stars). 2 submissions from 2 submitters: Uncertain significance (2). Last evaluated 2026-08-15.

Conditions:
Infantile-onset X-linked spinal muscular atrophy. Also called: AMC, DISTAL, X-LINKED; ARTHROGRYPOSIS, X-LINKED, TYPE I; SPINAL MUSCULAR ATROPHY, X-LINKED LETHAL INFANTILE; Spinal Muscular Atrophy, X-Linked Infantile; Spinal muscular atrophy, X-linked 2. Identifiers: Orphanet 1145, MedGen C1844934, MONDO:0010532, OMIM 301830.

gnomAD v4.1: 2 of 1,205,078 alleles (0.00017%); highest among the groups gnomAD compares: Non-Finnish European, 0.00022%; no homozygotes.

Submissions (2):

GeneDx
Classification: Uncertain significance. Last evaluated: 2026-08-15. Review status: criteria provided, single submitter. Criteria: GeneDx Variant Classification Process June 2021. Collection method: clinical testing. Allele origin: germline.
Comment: Not observed at significant frequency in large population cohorts (gnomAD); Missense variants in this gene are a common cause of disease and they are underrepresented in the general population; In silico analysis supports that this missense variant has a deleterious effect on protein structure/function; Has not been previously published as pathogenic or benign to our knowledge; This variant is associated with the following publications: (PMID: 26432019)

Labcorp Genetics (formerly Invitae), Labcorp
Classification: Uncertain significance for Infantile-onset X-linked spinal muscular atrophy. Last evaluated: 2024-04-06. Review status: criteria provided, single submitter. Criteria: Invitae Variant Classification Sherloc (09022015). Collection method: clinical testing. Allele origin: germline.
Comment: This sequence change replaces isoleucine, which is neutral and non-polar, with asparagine, which is neutral and polar, at codon 559 of the UBA1 protein (p.Ile559Asn). This variant is not present in population databases (gnomAD no frequency). This variant has not been reported in the literature in individuals affected with UBA1-related conditions. An algorithm developed to predict the effect of missense changes on protein structure and function (PolyPhen-2) suggests that this variant is likely to be disruptive. In summary, the available evidence is currently insufficient to determine the role of this variant in disease. Therefore, it has been classified as a Variant of Uncertain Significance.

NM_003334.4(UBA1):c.1676T>A (p.Ile559Asn)

Gene: UBA1 (ubiquitin like modifier activating enzyme 1; plus strand). Cytogenetic location: Xp11.3.
Variant type: single nucleotide variant.
Coding change: c.1676T>A on transcript NM_003334.4 (MANE Select); coding-DNA position 1676, T replaced by A.
Protein change: p.Ile559Asn; replaces isoleucine 559 with asparagine.
Molecular consequence: missense variant.
Genome position (GRCh38, 1-based): chrX:47,206,048, T>A. VCF-style: chrX-47206048-T-A. GRCh37 (hg19) VCF-style: chrX-47065447-T-A.
Other names: c.1676T>A, p.Ile559Asn (NM_153280.3); short protein forms I559N.
Identifiers: ClinVar variation 3393881 (VCV003393881.4).